The following is an entry in ClinVar:

ClinVar aggregate classification (germline): Uncertain significance (1 of 4 stars; one submission).

Allele frequency attached by ClinVar (database versions not stated): TOPMed below 0.00001; gnomAD 0.00001; gnomAD exomes 0.00001; ExAC 0.00002.
gnomAD v4.1: 5 of 1,612,148 alleles (0.00031%); highest among the groups gnomAD compares: Admixed American, 0.0033%; no homozygotes.

Submission:

Labcorp Genetics (formerly Invitae), Labcorp
Classification: Uncertain significance. Last evaluated: 2023-06-25. Review status: criteria provided, single submitter. Criteria: Invitae Variant Classification Sherloc (09022015). Collection method: clinical testing. Allele origin: germline.
Comment: In summary, the available evidence is currently insufficient to determine the role of this variant in disease. Therefore, it has been classified as a Variant of Uncertain Significance. Advanced modeling of protein sequence and biophysical properties (such as structural, functional, and spatial information, amino acid conservation, physicochemical variation, residue mobility, and thermodynamic stability) performed at Invitae indicates that this missense variant is not expected to disrupt ERMARD protein function. This variant has not been reported in the literature in individuals affected with ERMARD-related conditions. This variant is present in population databases (rs751533992, gnomAD 0.006%). This sequence change replaces leucine, which is neutral and non-polar, with phenylalanine, which is neutral and non-polar, at codon 395 of the ERMARD protein (p.Leu395Phe).

NM_018341.3(ERMARD):c.1183C>T (p.Leu395Phe)

Gene: ERMARD (ER membrane associated RNA degradation; plus strand). Cytogenetic location: 6q27.
Variant type: single nucleotide variant.
Coding change: c.1183C>T on transcript NM_018341.3 (MANE Select); coding-DNA position 1183, C replaced by T.
Protein change: p.Leu395Phe; replaces leucine 395 with phenylalanine.
Molecular consequence: missense variant.
Genome position (GRCh38, 1-based): chr6:169,769,663, C>T. VCF-style: chr6-169769663-C-T. GRCh37 (hg19) VCF-style: chr6-170169759-C-T.
Other names: c.1183C>T, p.Leu395Phe (NM_001278531.2, NM_001278533.2); c.805C>T, p.Leu269Phe (NM_001278532.2); c.775C>T, p.Leu259Phe (NM_001410957.1); short protein forms L259F, L269F, L395F.
Identifiers: ClinVar variation 2881226 (VCV002881226.3), dbSNP rs751533992, ClinGen allele CA4106149.